The following is an entry in ClinVar:

ClinVar aggregate classification (germline): Uncertain significance (1 of 4 stars; one submission).

Conditions:
Breast-ovarian cancer, familial, susceptibility to, 1 (BROVCA1). Also called: BRCA1 Hereditary Breast and Ovarian Cancer; OVARIAN CANCER, SUSCEPTIBILITY TO. Identifiers: Orphanet 145, MedGen C2676676, MONDO:0011450, OMIM 604370. Disease mechanism: loss of function.

Submission:

All of Us Research Program, National Institutes of Health
Classification: Uncertain significance for Breast-ovarian cancer, familial, susceptibility to, 1. Last evaluated: 2023-06-26. Review status: criteria provided, single submitter. Criteria: ACMG Guidelines, 2015. Collection method: clinical testing. Allele origin: germline. Inheritance: Autosomal dominant inheritance. Observed: 1 variant allele, 1 heterozygote.
Comment: This variant changes 2 nucleotides in exon 8 of the BRCA1 gene, creating a premature translation stop signal. This variant is expected to result in the absence of full-length protein product. This variant has not been identified in the general population by the Genome Aggregation Database (gnomAD). Truncation variants in the vicinity of exons 8 and 9 have been reported in three individuals affected with high-risk breast cancer and/or ovarian cancer (PMID: 12203997, 12815604, 15642173, 33649982) and in a suspected hereditary breast and ovarian cancer family (PMID: 8764110). In one study, an exon 9 frameshift variant (c.594_597del) has been observed in compound heterozygosity with a known pathogenic missense variant, in an individual diagnosed with Fanconi anemia (PMID: 25472942). This presentation suggests that the exon 9 variant contributed to the development of disease. However, two splicing variants c.591C>T and c.594-2A>C that have been demonstrated to cause a premature translation stop signal and have been reported in individuals affected with breast and ovarian cancer, as well as in healthy unaffected individuals (PMID: 16211554, 19892845, 25639900, 27008870). The case-control, health history, tumor pathology and segregation data for the c.594-2A>C variant either indicate that this variant is not pathogenic or that pathogenicity is inconclusive (PMID: 25639900, 27008870). In these carriers, there is a relative increase in the skipping of exons 8 and 9 by pre-mRNA splicing that is expected to cause a small in-frame deletion of 41 amino acids from the reference protein (1884 amino acids) (PMID: 19892845, 27008870). An interpretation of these findings is that a BRCA1 mRNA isoform lacking exons 8 and 9 is normally produced and is functional. This alternate mRNA isoform is expected to be refractory to frameshift, nonsense and splicing defective variants found in exons 8 and 9 (PMID: 27008870). RNA studies have confirmed the appearance of the skipping of exons 8 and 9 in the majority of individuals tested, however, the degree of expression also appears to be highly variable in individuals (PMID: 24569164, 27008870, 28905878, 32133419). Taken together, the available evidence suggests that the expected deleterious effects of this c.567_568del variant and other truncation variants occurring in exons 8 and 9 could be ameliorated by the expression of the mRNA isoform lacking exons 8 and 9 that retains normal BRCA1 function. Because of the uncertain clinical consequences of this variant, it is classified as a Variant of Uncertain Significance.

This study involves interpretation of variants in research participants for the purpose of population health screening. Participant phenotype was not available at the time of variant classification. Additional details can be found in publication PMID: 35346344, PMCID: PMC8962531

Literature cited by the submitters: PubMed 8764110; PubMed 12203997; PubMed 12815604; PubMed 15642173; PubMed 16211554; PubMed 19892845; PubMed 24569164; PubMed 25472942; PubMed 25639900; PubMed 27008870; PubMed 28905878; PubMed 32133419; PubMed 33649982.

NM_007294.4(BRCA1):c.567_568del (p.Thr190fs)

Gene: BRCA1 (BRCA1 DNA repair associated; minus strand). Cytogenetic location: 17q21.31.
Variant type: Deletion.
Coding change: c.567_568del on transcript NM_007294.4 (MANE Select); coding-DNA positions 567 to 568, 2 bases deleted (TA; older notation c.567_568delTA).
Protein change: p.Thr190fs; shifts the reading frame from threonine 190.
Molecular consequence: frameshift variant. On other transcripts: intron variant (115).
Genome position (GRCh38, 1-based): chr17:43,097,269-43,097,270, TA deleted on the plus strand (TA on the coding strand, the reverse complement: BRCA1 is on the minus strand); deleting any 2 consecutive bases within chr17:43,097,269-43,097,271 gives the same sequence; the c. name uses the placement nearest the transcript's 3' end. VCF-style (leftmost placement, unchanged base first): chr17-43097268-GTA-G. GRCh37 (hg19) VCF-style: chr17-41249285-GTA-G.
Other names: c.354_355del, p.Thr119fs (NM_001407571.1, NM_001408490.1, NM_001408491.1 and 12 more transcripts); c.567_568del, p.Thr190fs (NM_001407581.1, NM_001407582.1, NM_001407583.1 and 58 more transcripts); c.564_565del, p.Thr189fs (NM_001407587.1, NM_001407590.1, NM_001407591.1 and 41 more transcripts); c.432_433del, p.Thr145fs (NM_001408451.1); c.423_424del, p.Thr142fs (NM_001408462.1, NM_001408463.1, NM_001408464.1 and 26 more transcripts); c.426_427del, p.Thr143fs (NM_001408466.1, NM_001408467.1, NM_001408469.1 and 43 more transcripts); c.357_358del, p.Thr120fs (NM_001408485.1, NM_001408489.1, NM_001408492.1 and 27 more transcripts); c.186_187del, p.Thr63fs (NM_001408510.1, NM_001407959.1, NM_001407960.1 and 1 more transcripts); and 18 more; short protein forms T119fs, T120fs, T142fs, T143fs, T145fs, T163fs, T164fs, T187fs.
Identifiers: ClinVar variation 3069239 (VCV003069239.1), dbSNP rs2552235883, ClinGen allele CA2825002522.